The following is an entry in ClinVar:

ClinVar aggregate classification (germline): Benign. Review status: criteria provided, multiple submitters, no conflicts (2 of 4 stars). 7 submissions from 4 submitters: Benign (7). Last evaluated 2024-07-15.

Conditions:
Fetal akinesia, respiratory insufficiency, microcephaly, polymicrogyria, and dysmorphic facies. Identifiers: MedGen C5562015, MONDO:0859204, OMIM 619602.
Alternating hemiplegia of childhood 1 (AHC1). Identifiers: Orphanet 2131, MedGen C3549447, MONDO:0007087, OMIM 104290.
Migraine, familial hemiplegic, 2. Identifiers: Orphanet 569, MedGen C1865322, MONDO:0011232, OMIM 602481.
Developmental and epileptic encephalopathy 98. Identifiers: MedGen C5562017, MONDO:0030472, OMIM 619605.

Allele frequency attached by ClinVar (database versions not stated): gnomAD exomes 0.34501; gnomAD 0.39569 and 0.39961; 1000 Genomes Project 0.40715; 1000 Genomes Project 30x 0.41224; TOPMed 0.41434.
gnomAD v4.1: 553,413 of 1,578,876 alleles (35%); highest among the groups gnomAD compares: African/African-American, 48%; 99,535 homozygotes.

Submissions (7):

Unidad de Genómica Garrahan, Hospital de Pediatría Garrahan
Classification: Benign. Last evaluated: 2024-07-15. Review status: criteria provided, single submitter. Criteria: ACMG Guidelines, 2015. Collection method: clinical testing. Allele origin: germline. Affected: no. Observed: 20 variant alleles.
Comment: This variant is classified as Benign based on local population frequency. This variant was detected in 22% of patients studied in a panel designed for Epileptic and Developmental Encephalopathy and Progressive Myoclonus Epilepsy. Number of patients: 20. Only high quality variants are reported.

Genome-Nilou Lab
Classification: Benign for Developmental and epileptic encephalopathy 98. Last evaluated: 2021-12-05. Review status: criteria provided, single submitter. Criteria: ACMG Guidelines, 2015. Collection method: clinical testing. Allele origin: germline. Affected: no.

Genome-Nilou Lab
Classification: Benign for Fetal akinesia, respiratory insufficiency, microcephaly, polymicrogyria, and dysmorphic facies. Last evaluated: 2021-12-05. Review status: criteria provided, single submitter. Criteria: ACMG Guidelines, 2015. Collection method: clinical testing. Allele origin: germline. Affected: no.

Genome-Nilou Lab
Classification: Benign for Migraine, familial hemiplegic, 2. Last evaluated: 2021-12-05. Review status: criteria provided, single submitter. Criteria: ACMG Guidelines, 2015. Collection method: clinical testing. Allele origin: germline. Affected: no.

Genome-Nilou Lab
Classification: Benign for Alternating hemiplegia of childhood 1. Last evaluated: 2021-07-14. Review status: criteria provided, single submitter. Criteria: ACMG Guidelines, 2015. Collection method: clinical testing. Allele origin: germline. Affected: no.

GeneDx
Classification: Benign. Last evaluated: 2018-06-18. Review status: criteria provided, single submitter. Criteria: GeneDx Variant Classification (06012015). Collection method: clinical testing. Allele origin: germline. Affected: yes.
Comment: This variant is considered likely benign or benign based on one or more of the following criteria: it is a conservative change, it occurs at a poorly conserved position in the protein, it is predicted to be benign by multiple in silico algorithms, and/or has population frequency not consistent with disease.

Breakthrough Genomics
Classification: Benign. Review status: criteria provided, single submitter. Criteria: ACMG Guidelines, 2015. Collection method: not provided. Allele origin: germline. Inheritance: Autosomal recessive inheritance. Affected: yes.

NM_000702.4(ATP1A2):c.495+81T>A

Gene: ATP1A2 (ATPase Na+/K+ transporting subunit alpha 2; plus strand). Cytogenetic location: 1q23.2.
Variant type: single nucleotide variant.
Coding change: c.495+81T>A on transcript NM_000702.4 (MANE Select); 81 bases into the intron after coding-DNA position 495, T replaced by A.
Molecular consequence: intron variant.
Genome position (GRCh38, 1-based): chr1:160,124,137, T>A. VCF-style: chr1-160124137-T-A. GRCh37 (hg19) VCF-style: chr1-160093927-T-A.
Identifiers: ClinVar variation 670754 (VCV000670754.7), dbSNP rs2854248, ClinGen allele CA10816553.